The following is an entry in ClinVar:

NM_003895.4(SYNJ1):c.13T>C (p.Trp5Arg)

Gene: SYNJ1 (synaptojanin 1; minus strand). Cytogenetic location: 21q22.11.
Variant type: single nucleotide variant.
Coding change: c.13T>C on transcript NM_003895.4; coding-DNA position 13, T replaced by C.
Protein change: p.Trp5Arg; replaces tryptophan 5 with arginine.
Molecular consequence: missense variant.
Genome position (GRCh38, 1-based): chr21:32,728,028, A>G on the plus strand (T>C on the coding strand, the complement: SYNJ1 is on the minus strand). VCF-style: chr21-32728028-A-G. GRCh37 (hg19) VCF-style: chr21-34100339-A-G.
Other names: short protein forms W5R.
Identifiers: ClinVar variation 1010675 (VCV001010675.10), dbSNP rs1255271636, ClinGen allele CA410078930.

ClinVar aggregate classification (germline): Uncertain significance. Review status: criteria provided, multiple submitters, no conflicts (2 of 4 stars). 3 submissions from 3 submitters: Uncertain significance (3). Last evaluated 2024-05-29.

Conditions:
Inborn genetic diseases. Identifiers: MedGen C0950123, MeSH D030342.
Developmental and epileptic encephalopathy, 53. Also called: Epileptic encephalopathy, early infantile, 53. Identifiers: MedGen C4479313, MONDO:0033362, OMIM 617389.
Early-onset Parkinson disease 20. Also called: PARKINSON DISEASE 20, AUTOSOMAL RECESSIVE EARLY-ONSET. Identifiers: Orphanet 391411, MedGen C3809824, MONDO:0014233, OMIM 615530.

Allele frequency attached by ClinVar (database versions not stated): gnomAD below 0.00001 and 0.00001; TOPMed below 0.00001; gnomAD exomes 0.00005 and 0.00002.
gnomAD v4.1: 36 of 1,534,974 alleles (0.0023%); highest among the groups gnomAD compares: South Asian, 0.026%; 1 homozygote.

Submissions (3):

Ambry Genetics
Classification: Uncertain significance for Inborn genetic diseases. Last evaluated: 2024-05-29. Review status: criteria provided, single submitter. Criteria: Ambry Variant Classification Scheme 2023. Collection method: clinical testing. Allele origin: germline.

GeneDx
Classification: Uncertain significance. Last evaluated: 2024-05-14. Review status: criteria provided, single submitter. Criteria: GeneDx Variant Classification Process June 2021. Collection method: clinical testing. Allele origin: germline. Affected: yes.
Comment: In silico analysis indicates that this missense variant does not alter protein structure/function; Has not been previously published as pathogenic or benign to our knowledge

Labcorp Genetics (formerly Invitae), Labcorp
Classification: Uncertain significance for Developmental and epileptic encephalopathy, 53; Early-onset Parkinson disease 20. Last evaluated: 2022-06-26. Review status: criteria provided, single submitter. Criteria: Invitae Variant Classification Sherloc (09022015). Collection method: clinical testing. Allele origin: germline.
Comment: This sequence change replaces tryptophan, which is neutral and slightly polar, with arginine, which is basic and polar, at codon 5 of the SYNJ1 protein (p.Trp5Arg). This variant is present in population databases (no rsID available, gnomAD 0.02%). This variant has not been reported in the literature in individuals affected with SYNJ1-related conditions. ClinVar contains an entry for this variant (Variation ID: 1010675). Algorithms developed to predict the effect of missense changes on protein structure and function are either unavailable or do not agree on the potential impact of this missense change (SIFT: "Deleterious"; PolyPhen-2: "Benign"; Align-GVGD: "Class C0"). In summary, the available evidence is currently insufficient to determine the role of this variant in disease. Therefore, it has been classified as a Variant of Uncertain Significance.